The following is an entry in ClinVar:

ClinVar aggregate classification (germline): Uncertain significance (1 of 4 stars; one submission).

Conditions:
Hereditary cancer-predisposing syndrome. Also called: Neoplastic Syndromes, Hereditary; Tumor predisposition; Hereditary Cancer Syndrome; Hereditary neoplastic syndrome. Identifiers: Orphanet 140162, MedGen C0027672, MeSH D009386, MONDO:0015356.

Submission:

Ambry Genetics
Classification: Uncertain significance for Hereditary cancer-predisposing syndrome. Last evaluated: 2022-01-19. Review status: criteria provided, single submitter. Criteria: Ambry Variant Classification Scheme 2023. Collection method: clinical testing. Allele origin: germline.
Comment: The p.S2621Y variant (also known as c.7862C>A), located in coding exon 15 of the APC gene, results from a C to A substitution at nucleotide position 7862. The serine at codon 2621 is replaced by tyrosine, an amino acid with dissimilar properties. This amino acid position is conserved. In addition, in silico predictors for this gene do not accurately predict pathogenicity. Since supporting evidence is limited at this time, the clinical significance of this alteration remains unclear.

NM_000038.6(APC):c.7862C>A (p.Ser2621Tyr)

Gene: APC (APC regulator of Wnt signaling pathway; plus strand). Cytogenetic location: 5q22.2.
Variant type: single nucleotide variant.
Coding change: c.7862C>A on transcript NM_000038.6 (MANE Select); coding-DNA position 7862, C replaced by A.
Protein change: p.Ser2621Tyr; replaces serine 2621 with tyrosine.
Molecular consequence: missense variant.
Genome position (GRCh38, 1-based): chr5:112,843,456, C>A. VCF-style: chr5-112843456-C-A. GRCh37 (hg19) VCF-style: chr5-112179153-C-A.
Other names: c.7862C>A, p.Ser2621Tyr (NM_001127510.3, NM_001354895.2, NM_001407450.1); c.7808C>A, p.Ser2603Tyr (NM_001127511.3); c.7916C>A, p.Ser2639Tyr (NM_001354896.2, NM_001407447.1, NM_001407448.1 and 1 more transcripts); c.7892C>A, p.Ser2631Tyr (NM_001354897.2); c.7787C>A, p.Ser2596Tyr (NM_001354898.2); c.7778C>A, p.Ser2593Tyr (NM_001354899.2); c.7739C>A, p.Ser2580Tyr (NM_001354900.2); c.7685C>A, p.Ser2562Tyr (NM_001354901.2, NM_001407453.1); and 11 more; short protein forms S2338Y, S2492Y, S2530Y, S2538Y, S2593Y, S2603Y, S2631Y, S2237Y.
Identifiers: ClinVar variation 1760927 (VCV001760927.2), dbSNP rs72541816, ClinGen allele CA16038417.